The following is an entry in ClinVar:

ClinVar aggregate classification (germline): Uncertain significance (1 of 4 stars; one submission).

Conditions:
Inborn genetic diseases. Identifiers: MedGen C0950123, MeSH D030342.

Submission:

Ambry Genetics
Classification: Uncertain significance for Inborn genetic diseases. Last evaluated: 2026-09-13. Review status: criteria provided, single submitter. Criteria: Ambry Variant Classification Scheme 2023. Collection method: clinical testing. Allele origin: germline.
Comment: The p.N693K variant (also known as c.2079C>A), located in coding exon 1 of the SAMD9 gene, results from a C to A substitution at nucleotide position 2079. The asparagine at codon 693 is replaced by lysine, an amino acid with similar properties. This amino acid position is conserved. In addition, this alteration is predicted to be tolerated by in silico analysis. Based on the available evidence, the clinical significance of this variant remains unclear.

NM_017654.4(SAMD9):c.2079C>A (p.Asn693Lys)

Gene: SAMD9 (sterile alpha motif domain containing 9; minus strand). Cytogenetic location: 7q21.2.
Variant type: single nucleotide variant.
Coding change: c.2079C>A on transcript NM_017654.4 (MANE Select); coding-DNA position 2079, C replaced by A.
Protein change: p.Asn693Lys; replaces asparagine 693 with lysine.
Molecular consequence: missense variant.
Genome position (GRCh38, 1-based): chr7:93,104,019, G>T on the plus strand (C>A on the coding strand, the complement: SAMD9 is on the minus strand). VCF-style: chr7-93104019-G-T. GRCh37 (hg19) VCF-style: chr7-92733332-G-T.
Other names: c.2079C>A, p.Asn693Lys (NM_001193307.2); short protein forms N693K.
Identifiers: ClinVar variation 5028826 (VCV005028826.1).
Genomic context (GRCh38, chr7:93,104,019, plus strand): 5'-TCTTTCATATTTATCCCTTTTGACAAAAGGTGAAGAATAACTTTCAGAAGAGAAGTAGAA[G>T]TTCCACCATGACACTTTGCCACCTCGATAGAAGTCTTCCTCTTTTGATGCCTTGAATTCA-3'
Protein context (NP_060124.2, residues 683-703): FYRGGKVSWW[Asn693Lys]FYFSSESYSS